The following is an entry in ClinVar:

ClinVar aggregate classification (germline): Uncertain significance (1 of 4 stars; one submission).

Allele frequency attached by ClinVar (database versions not stated): gnomAD exomes below 0.00001.
gnomAD v4.1: 3 of 1,614,122 alleles (0.00019%); highest among the groups gnomAD compares: Non-Finnish European, 0.00025%; no homozygotes.

Submission:

Labcorp Genetics (formerly Invitae), Labcorp
Classification: Uncertain significance. Last evaluated: 2023-12-03. Review status: criteria provided, single submitter. Criteria: Invitae Variant Classification Sherloc (09022015). Collection method: clinical testing. Allele origin: germline.
Comment: This sequence change replaces serine, which is neutral and polar, with leucine, which is neutral and non-polar, at codon 3167 of the FREM2 protein (p.Ser3167Leu). This variant is not present in population databases (gnomAD no frequency). This variant has not been reported in the literature in individuals affected with FREM2-related conditions. An algorithm developed to predict the effect of missense changes on protein structure and function (PolyPhen-2) suggests that this variant is likely to be disruptive. In summary, the available evidence is currently insufficient to determine the role of this variant in disease. Therefore, it has been classified as a Variant of Uncertain Significance.

NM_207361.6(FREM2):c.9500C>T (p.Ser3167Leu)

Gene: FREM2 (FRAS1 related extracellular matrix 2; plus strand). Cytogenetic location: 13q13.3.
Variant type: single nucleotide variant.
Coding change: c.9500C>T on transcript NM_207361.6 (MANE Select); coding-DNA position 9500, C replaced by T.
Protein change: p.Ser3167Leu; replaces serine 3167 with leucine.
Molecular consequence: missense variant.
Genome position (GRCh38, 1-based): chr13:38,880,777, C>T. VCF-style: chr13-38880777-C-T. GRCh37 (hg19) VCF-style: chr13-39454914-C-T.
Other names: short protein forms S3167L.
Identifiers: ClinVar variation 3000739 (VCV003000739.3), dbSNP rs2541511555, ClinGen allele CA387912019.
Genomic context (GRCh38, chr13:38,880,777, plus strand): 5'-CGAAAGGCTCCAGCAGCAGTGAGCCCATGGTGCCCCCACAGAGCCATCACAATGACAGCT[C>T]AGAAGTTTGATGACTGCAGGTAGAATTCAACCTTTTCCGTAAGTGCCTCGGAAAAGATCA-3'
Protein context (NP_997244.4, residues 3157-3169): VPPQSHHNDS[Ser3167Leu]EV